The following is an entry in ClinVar:

ClinVar aggregate classification (germline): Uncertain significance (1 of 4 stars; one submission).

Conditions:
Bardet-Biedl syndrome (BBS). Identifiers: Orphanet 110, MedGen C0752166, MONDO:0015229.

Submission:

Labcorp Genetics (formerly Invitae), Labcorp
Classification: Uncertain significance for Bardet-Biedl syndrome. Last evaluated: 2021-09-01. Review status: criteria provided, single submitter. Criteria: Invitae Variant Classification Sherloc (09022015). Collection method: clinical testing. Allele origin: germline.
Comment: This sequence change replaces valine with leucine at codon 409 of the BBS1 protein (p.Val409Leu). The valine residue is weakly conserved and there is a small physicochemical difference between valine and leucine. This variant is not present in population databases (ExAC no frequency). This variant has not been reported in the literature in individuals affected with BBS1-related conditions. Algorithms developed to predict the effect of missense changes on protein structure and function (SIFT, PolyPhen-2, Align-GVGD) all suggest that this variant is likely to be tolerated. In summary, the available evidence is currently insufficient to determine the role of this variant in disease. Therefore, it has been classified as a Variant of Uncertain Significance.

NM_024649.5(BBS1):c.1225G>T (p.Val409Leu)

Genes: BBS1 (Bardet-Biedl syndrome 1; plus strand), ZDHHC24 (zDHHC palmitoyltransferase 24; minus strand). Cytogenetic location: 11q13.2.
Variant type: single nucleotide variant.
Coding change: c.1225G>T on transcript NM_024649.5 (MANE Select); coding-DNA position 1225, G replaced by T.
Protein change: p.Val409Leu; replaces valine 409 with leucine.
Molecular consequence: missense variant. On other transcripts: intron variant (1).
Genome position (GRCh38, 1-based): chr11:66,526,693, G>T. VCF-style: chr11-66526693-G-T. GRCh37 (hg19) VCF-style: chr11-66294164-G-T.
Other names: c.*21+243C>A (NM_001348571.2); short protein forms V409L.
Identifiers: ClinVar variation 1949272 (VCV001949272.2), dbSNP rs1856516677, ClinGen allele CA381422568.
Genomic context (GRCh38, chr11:66,526,693, plus strand): 5'-CTGTCCACTTCCCTAGGTGGTGGCCTGATCATCAAGATCCTGAAGCGTACAGCAGTGTTT[G>T]TAGAGGGAGGAAGTGAGGTGGGTCCCCCACCAGCCCAGGCCATGAAACTCAATGTGCCCC-3'
Protein context (NP_078925.3, residues 399-419): IKILKRTAVF[Val409Leu]EGGSEVGPPP